The following is an entry in ClinVar:

NM_022124.6(CDH23):c.3162C>G (p.Thr1054=)

Gene: CDH23 (cadherin related 23; plus strand). Cytogenetic location: 10q22.1.
Variant type: single nucleotide variant.
Coding change: c.3162C>G on transcript NM_022124.6 (MANE Select); coding-DNA position 3162, C replaced by G.
Protein change: p.Thr1054=; no amino-acid change (threonine 1054 retained).
Molecular consequence: synonymous variant.
Genome position (GRCh38, 1-based): chr10:71,709,153, C>G. VCF-style: chr10-71709153-C-G. GRCh37 (hg19) VCF-style: chr10-73468910-C-G.
Other names: c.3162C>G, p.Thr1054= (NM_001171930.2).
Identifiers: ClinVar variation 178300 (VCV000178300.20), dbSNP rs377259987, ClinGen allele CA182066.
Genomic context (GRCh38, chr10:71,709,153, plus strand): 5'-CACAGGTGGCAACGTGGATGGGAAGTTCAGCGTGGGTTACCGCGATGCCGTTGTGAGAAC[C>G]GTGGTGGGCCTGGACCGGGAGACCACAGCCGCCTACATGCTCATCCTGGAGGCCATCGGT-3'
Protein context (NP_071407.4, residues 1044-1064): SVGYRDAVVR[Thr1054=]VVGLDRETTA

ClinVar aggregate classification (germline): Likely benign. Review status: criteria provided, multiple submitters, no conflicts (2 of 4 stars). 6 submissions from 6 submitters: Likely benign (5). 1 of the submissions does not count toward it. Last evaluated 2026-01-28.

Conditions:
CDH23-related disorder. Also called: CDH23-related condition; CDH23-related disorders.
Usher syndrome type 1 (USH1). Also called: RETINITIS PIGMENTOSA AND CONGENITAL DEAFNESS. Identifiers: Orphanet 231169, Orphanet 886, MedGen C1568247, MONDO:0010168, OMIM 276900.

Allele frequency attached by ClinVar (database versions not stated): ESP Exome Variant Server 0.00008; TOPMed 0.00009.
gnomAD v4.1: 200 of 1,613,860 alleles (0.012%); highest among the groups gnomAD compares: Non-Finnish European, 0.017%; no homozygotes.

Submissions (6):

Labcorp Genetics (formerly Invitae), Labcorp
Classification: Likely benign. Last evaluated: 2026-01-28. Review status: criteria provided, single submitter. Criteria: Invitae Variant Classification Sherloc (09022015). Collection method: clinical testing. Allele origin: germline.

PreventionGenetics, part of Exact Sciences
Classification: Likely benign for CDH23-related condition. Last evaluated: 2025-07-31. Review status: criteria provided, single submitter. Criteria: ACMG Guidelines, 2015. Collection method: clinical testing. Allele origin: germline.
Comment: This variant is classified as likely benign based on ACMG/AMP sequence variant interpretation guidelines (Richards et al. 2015 PMID: 25741868, with internal and published modifications).

Blueprint Genetics
Classification: Likely benign. Last evaluated: 2024-03-08. Review status: criteria provided, single submitter. Criteria: ACMG Guidelines, 2015. Collection method: clinical testing. Allele origin: germline.

GeneDx
Classification: Likely benign. Last evaluated: 2018-10-09. Review status: criteria provided, single submitter. Criteria: GeneDx Variant Classification Process June 2021. Collection method: clinical testing. Allele origin: germline. Affected: yes.

Laboratory for Molecular Medicine, Mass General Brigham Personalized Medicine
Classification: Likely benign. Last evaluated: 2015-12-31. Review status: criteria provided, single submitter. Criteria: LMM Criteria. Collection method: clinical testing. Allele origin: germline. Observed: 3 variant alleles.
Comment: p.Thr1054Thr in exon 27 of CDH23: This variant is not expected to have clinical significance because it does not alter an amino acid residue and it is not locat ed within the splice consensus sequence. It has been identified in 19/66038 Euro pean chromosomes by the Exome Aggregation Consortium (ExAC; dbSNP rs377259987).

Natera, Inc.
Classification: Likely benign for Usher syndrome type 1. Last evaluated: 2020-09-16. Review status: no assertion criteria provided. Collection method: clinical testing. Allele origin: germline. Not counted in ClinVar's aggregate classification.